The following is an entry in ClinVar:

NM_000264.5(PTCH1):c.1036A>G (p.Thr346Ala)

Gene: PTCH1 (patched 1; minus strand). Cytogenetic location: 9q22.32.
Variant type: single nucleotide variant.
Coding change: c.1036A>G on transcript NM_000264.5 (MANE Select); coding-DNA position 1036, A replaced by G.
Protein change: p.Thr346Ala; replaces threonine 346 with alanine.
Molecular consequence: missense variant. On other transcripts: non-coding transcript variant (1).
Genome position (GRCh38, 1-based): chr9:95,480,000, T>C on the plus strand (A>G on the coding strand, the complement: PTCH1 is on the minus strand). VCF-style: chr9-95480000-T-C. GRCh37 (hg19) VCF-style: chr9-98242282-T-C.
Other names: c.838A>G, p.Thr280Ala (NM_001083602.3); c.1033A>G, p.Thr345Ala (NM_001083603.3); c.583A>G, p.Thr195Ala (NM_001083604.3, NM_001083605.3, NM_001083606.3 and 1 more transcripts); c.1036A>G, p.Thr346Ala (NM_001354918.2); c.1036A>G (NM_000264.3); short protein forms T195A, T280A, T345A, T346A.
Identifiers: ClinVar variation 1051574 (VCV001051574.14), dbSNP rs1841400368, ClinGen allele CA374119622.
Genomic context (GRCh38, chr9:95,480,000, plus strand): 5'-GCATAGATTGTCCTCGGGAGCTGGCTTACCTGACGAGTTTTCCAGTGCTGTTCTTGACTG[T>C]GCCACCCACAATCAACTCCTCCTGCCAGTGCATATACTTTCTGGATAAGCCATGACATCC-3'
Protein context (NP_000255.2, residues 336-356): HWQEELIVGG[Thr346Ala]VKNSTGKLVS

ClinVar aggregate classification (germline): Uncertain significance. Review status: criteria provided, multiple submitters, no conflicts (2 of 4 stars). 3 submissions from 3 submitters: Uncertain significance (3). Last evaluated 2025-12-29.

Conditions:
Hereditary cancer-predisposing syndrome. Also called: Hereditary Cancer Syndrome; Tumor predisposition; Hereditary neoplastic syndrome; Neoplastic Syndromes, Hereditary. Identifiers: Orphanet 140162, MedGen C0027672, MeSH D009386, MONDO:0015356.
Gorlin syndrome. Also called: Nevoid Basal Cell Carcinoma Syndrome; Basal cell nevus syndrome. Identifiers: Orphanet 377, MedGen C0004779, MONDO:0007187.

Submissions (3):

Center for Genomic Medicine, Rigshospitalet, Copenhagen University Hospital
Classification: Uncertain significance. Last evaluated: 2025-12-29. Review status: criteria provided, single submitter. Criteria: ACMG Guidelines, 2015. Collection method: clinical testing. Allele origin: germline.

Ambry Genetics
Classification: Uncertain significance for Hereditary cancer-predisposing syndrome. Last evaluated: 2025-11-16. Review status: criteria provided, single submitter. Criteria: Ambry Variant Classification Scheme 2023. Collection method: clinical testing. Allele origin: germline.
Comment: The p.T346A variant (also known as c.1036A>G), located in coding exon 7 of the PTCH1 gene, results from an A to G substitution at nucleotide position 1036. The threonine at codon 346 is replaced by alanine, an amino acid with similar properties. This amino acid position is conserved. In addition, the in silico prediction for this alteration is inconclusive. Based on the available evidence, the clinical significance of this variant remains unclear.

Labcorp Genetics (formerly Invitae), Labcorp
Classification: Uncertain significance for Gorlin syndrome. Last evaluated: 2023-03-19. Review status: criteria provided, single submitter. Criteria: Invitae Variant Classification Sherloc (09022015). Collection method: clinical testing. Allele origin: germline.
Comment: In summary, the available evidence is currently insufficient to determine the role of this variant in disease. Therefore, it has been classified as a Variant of Uncertain Significance. Advanced modeling of protein sequence and biophysical properties (such as structural, functional, and spatial information, amino acid conservation, physicochemical variation, residue mobility, and thermodynamic stability) performed at Invitae indicates that this missense variant is not expected to disrupt PTCH1 protein function. ClinVar contains an entry for this variant (Variation ID: 1051574). This variant has not been reported in the literature in individuals affected with PTCH1-related conditions. This variant is not present in population databases (gnomAD no frequency). This sequence change replaces threonine, which is neutral and polar, with alanine, which is neutral and non-polar, at codon 346 of the PTCH1 protein (p.Thr346Ala).